The following is an entry in ClinVar:

ClinVar aggregate classification (germline): Uncertain significance. Review status: criteria provided, single submitter (1 of 4 stars). 2 submissions from 2 submitters: Uncertain significance (1). 1 of the submissions does not count toward it. Last evaluated 2025-12-01.

Conditions:
Hereditary cancer-predisposing syndrome. Also called: Tumor predisposition; Hereditary Cancer Syndrome; Hereditary neoplastic syndrome; Neoplastic Syndromes, Hereditary. Identifiers: Orphanet 140162, MedGen C0027672, MeSH D009386, MONDO:0015356.
Familial adenomatous polyposis 1 (FAP1). Also called: FAMILIAL ADENOMATOUS POLYPOSIS 1, ATTENUATED; POLYPOSIS, ADENOMATOUS INTESTINAL. Identifiers: MedGen C2713442, MONDO:0021056, OMIM 175100. Disease mechanism: loss of function.

Submissions (2):

Ambry Genetics
Classification: Uncertain significance for Hereditary cancer-predisposing syndrome. Last evaluated: 2025-12-01. Review status: criteria provided, single submitter. Criteria: Ambry Variant Classification Scheme 2023. Collection method: clinical testing. Allele origin: germline.
Comment: The p.E2097Q variant (also known as c.6289G>C), located in coding exon 15 of the APC gene, results from a G to C substitution at nucleotide position 6289. The glutamic acid at codon 2097 is replaced by glutamine, an amino acid with highly similar properties. This amino acid position is highly conserved in available vertebrate species. In addition, in silico predictors for this gene do not accurately predict pathogenicity. Missense variants in APC are not a common cause of disease (Spier I et al. Genet Med. 2024 Feb;26(2):100992). Based on the available evidence, the clinical significance of this variant remains unclear.

Labcorp Genetics (formerly Invitae), Labcorp
Classification: Uncertain significance for Adenomatous polyposis coli. Last evaluated: 2015-02-18. Review status: no assertion criteria provided. Collection method: clinical testing. Allele origin: germline. Not counted in ClinVar's aggregate classification.

NM_000038.6(APC):c.6289G>C (p.Glu2097Gln)

Gene: APC (APC regulator of Wnt signaling pathway; plus strand). Cytogenetic location: 5q22.2.
Variant type: single nucleotide variant.
Coding change: c.6289G>C on transcript NM_000038.6 (MANE Select); coding-DNA position 6289, G replaced by C.
Protein change: p.Glu2097Gln; replaces glutamic acid 2097 with glutamine.
Molecular consequence: missense variant.
Genome position (GRCh38, 1-based): chr5:112,841,883, G>C. VCF-style: chr5-112841883-G-C. GRCh37 (hg19) VCF-style: chr5-112177580-G-C.
Other names: c.6289G>C, p.Glu2097Gln (NM_001127510.3, NM_001354895.2); c.6235G>C, p.Glu2079Gln (NM_001127511.3); c.6343G>C, p.Glu2115Gln (NM_001354896.2); c.6319G>C, p.Glu2107Gln (NM_001354897.2); c.6214G>C, p.Glu2072Gln (NM_001354898.2); c.6205G>C, p.Glu2069Gln (NM_001354899.2); c.6166G>C, p.Glu2056Gln (NM_001354900.2); c.6112G>C, p.Glu2038Gln (NM_001354901.2); and 5 more; short protein forms E2079Q, E2097Q, E1814Q, E2069Q, E1937Q, E1971Q, E2006Q, E2115Q.
Identifiers: ClinVar variation 183074 (VCV000183074.2), dbSNP rs730882132, ClinGen allele CA011063.